The following is an entry in ClinVar:

ClinVar aggregate classification (germline): Pathogenic. Review status: reviewed by expert panel (3 of 4 stars). 2 submissions from 2 submitters: Pathogenic (1). 1 of the submissions does not count toward it. Last evaluated 2017-12-15.

Conditions:
Hereditary breast ovarian cancer syndrome. Also called: Hereditary breast and ovarian cancer syndrome; Hereditary breast and/or ovarian cancer syndrome; BRCA1- and BRCA2-Associated Hereditary Breast and Ovarian Cancer; Hereditary breast and ovarian cancer syndrome (HBOC); Hereditary breast and ovarian cancer; Breast and ovarian cancer. Identifiers: Orphanet 145, MedGen C0677776, MeSH D061325, MONDO:0003582. Disease mechanism: loss of function.
Breast-ovarian cancer, familial, susceptibility to, 2 (BROVCA2). Also called: BRCA2 Hereditary Breast and Ovarian Cancer. Identifiers: Orphanet 145, MedGen C2675520, MONDO:0012933, OMIM 612555. Disease mechanism: loss of function.

Submissions (2):

Evidence-based Network for the Interpretation of Germline Mutant Alleles (ENIGMA)
Classification: Pathogenic for Breast-ovarian cancer, familial, susceptibility to, 2. Last evaluated: 2017-12-15. Review status: reviewed by expert panel. Criteria: ENIGMA BRCA1/2 Classification Criteria (2017-06-29). Collection method: curation. Allele origin: germline. Study: ENIGMA.
Comment: Variant allele predicted to encode a truncated non-functional protein.

Labcorp Genetics (formerly Invitae), Labcorp
Classification: Pathogenic for Hereditary breast ovarian cancer syndrome. Last evaluated: 2022-12-06. Review status: criteria provided, single submitter. Criteria: Invitae Variant Classification Sherloc (09022015). Collection method: clinical testing. Allele origin: germline. Not counted in ClinVar's aggregate classification.
Comment: For these reasons, this variant has been classified as Pathogenic. ClinVar contains an entry for this variant (Variation ID: 409575). This variant has not been reported in the literature in individuals affected with BRCA2-related conditions. This variant is not present in population databases (gnomAD no frequency). This sequence change creates a premature translational stop signal (p.Lys1026Argfs*17) in the BRCA2 gene. It is expected to result in an absent or disrupted protein product. Loss-of-function variants in BRCA2 are known to be pathogenic (PMID: 20104584).

Literature cited by the submitters: PubMed 20104584 (cited by Labcorp Genetics (formerly Invitae), Labcorp).

NM_000059.4(BRCA2):c.3077del (p.Lys1026fs)

Gene: BRCA2 (BRCA2 DNA repair associated; plus strand). Cytogenetic location: 13q13.1.
Variant type: Deletion.
Coding change: c.3077del on transcript NM_000059.4 (MANE Select); coding-DNA position 3077, one base deleted (A; older notation c.3077delA).
Protein change: p.Lys1026fs; shifts the reading frame from lysine 1026.
Molecular consequence: frameshift variant.
Genome position (GRCh38, 1-based): chr13:32,337,432, A deleted; the last of 2 consecutive A bases (chr13:32,337,431-32,337,432); deleting either gives the same sequence. VCF-style (leftmost placement, unchanged base first): chr13-32337430-GA-G. GRCh37 (hg19) VCF-style: chr13-32911567-GA-G.
Other names: c.3077delA (NM_000059.3); short protein forms K1026fs.
Identifiers: ClinVar variation 409575 (VCV000409575.7), dbSNP rs1060502475, ClinGen allele CA16613865.